The following is an entry in ClinVar:

NM_004260.4(RECQL4):c.379C>T (p.Pro127Ser)

Gene: RECQL4 (RecQ like helicase 4; minus strand). Cytogenetic location: 8q24.3.
Variant type: single nucleotide variant.
Coding change: c.379C>T on transcript NM_004260.4 (MANE Select); coding-DNA position 379, C replaced by T.
Protein change: p.Pro127Ser; replaces proline 127 with serine.
Molecular consequence: missense variant.
Genome position (GRCh38, 1-based): chr8:144,516,740, G>A on the plus strand (C>T on the coding strand, the complement: RECQL4 is on the minus strand). VCF-style: chr8-144516740-G-A. GRCh37 (hg19) VCF-style: chr8-145742124-G-A.
Other names: c.379C>T, p.Pro127Ser (NM_001413017.1, NM_001413018.1, NM_001413019.1 and 4 more transcripts); c.-693C>T (NM_001413022.1, NM_001413023.1, NM_001413037.1 and 3 more transcripts); c.250C>T, p.Pro84Ser (NM_001413025.1); c.-755C>T (NM_001413027.1, NM_001413030.1, NM_001413031.1 and 1 more transcripts); c.-418C>T (NM_001413028.1); c.-597C>T (NM_001413034.1); c.-962C>T (NM_001413043.1); c.379C>T (NM_004260.3); short protein forms P127S, P84S.
Identifiers: ClinVar variation 2046962 (VCV002046962.5), dbSNP rs1815101287, ClinGen allele CA372691698.

ClinVar aggregate classification (germline): Uncertain significance. Review status: criteria provided, multiple submitters, no conflicts (2 of 4 stars). 2 submissions from 2 submitters: Uncertain significance (2). Last evaluated 2025-04-04.

Conditions:
Baller-Gerold syndrome (BGS). Also called: CRANIOSYNOSTOSIS WITH RADIAL DEFECTS. Identifiers: Orphanet 1225, MedGen C0265308, MONDO:0009039, OMIM 218600.
Inborn genetic diseases. Identifiers: MedGen C0950123, MeSH D030342.

Submissions (2):

Ambry Genetics
Classification: Uncertain significance for Inborn genetic diseases. Last evaluated: 2025-04-04. Review status: criteria provided, single submitter. Criteria: Ambry Variant Classification Scheme 2023. Collection method: clinical testing. Allele origin: germline.
Comment: The p.P127S variant (also known as c.379C>T), located in coding exon 5 of the RECQL4 gene, results from a C to T substitution at nucleotide position 379. The proline at codon 127 is replaced by serine, an amino acid with similar properties. This amino acid position is conserved. In addition, this alteration is predicted to be tolerated by in silico analysis. Based on the available evidence, the clinical significance of this variant remains unclear.

Labcorp Genetics (formerly Invitae), Labcorp
Classification: Uncertain significance for Baller-Gerold syndrome. Last evaluated: 2023-01-07. Review status: criteria provided, single submitter. Criteria: Invitae Variant Classification Sherloc (09022015). Collection method: clinical testing. Allele origin: germline.
Comment: In summary, the available evidence is currently insufficient to determine the role of this variant in disease. Therefore, it has been classified as a Variant of Uncertain Significance. Advanced modeling of protein sequence and biophysical properties (such as structural, functional, and spatial information, amino acid conservation, physicochemical variation, residue mobility, and thermodynamic stability) performed at Invitae indicates that this missense variant is not expected to disrupt RECQL4 protein function. This variant has not been reported in the literature in individuals affected with RECQL4-related conditions. This variant is not present in population databases (gnomAD no frequency). This sequence change replaces proline, which is neutral and non-polar, with serine, which is neutral and polar, at codon 127 of the RECQL4 protein (p.Pro127Ser).